The following is an entry in ClinVar:

ClinVar aggregate classification (germline): Likely benign (0 of 4 stars; one submission).

Conditions:
HTR2C-related disorder. Also called: HTR2C-related condition.

Allele frequency attached by ClinVar (database versions not stated): gnomAD exomes below 0.00001; gnomAD 0.00003; TOPMed 0.00006.
gnomAD v4.1: 5 of 1,202,775 alleles (0.00042%); highest among the groups gnomAD compares: African/African-American, 0.0053%; no homozygotes.

Submission:

PreventionGenetics, part of Exact Sciences
Classification: Likely benign for HTR2C-related condition. Last evaluated: 2022-12-15. Review status: no assertion criteria provided. Collection method: clinical testing. Allele origin: germline.
Comment: This variant is classified as likely benign based on ACMG/AMP sequence variant interpretation guidelines (Richards et al. 2015 PMID: 25741868, with internal and published modifications).

NM_000868.4(HTR2C):c.84C>T (p.Ser28=)

Gene: HTR2C (5-hydroxytryptamine receptor 2C; plus strand). Cytogenetic location: Xq23.
Variant type: single nucleotide variant.
Coding change: c.84C>T on transcript NM_000868.4 (MANE Select); coding-DNA position 84, C replaced by T.
Protein change: p.Ser28=; no amino-acid change (serine 28 retained).
Molecular consequence: synonymous variant.
Genome position (GRCh38, 1-based): chrX:114,731,342, C>T. VCF-style: chrX-114731342-C-T. GRCh37 (hg19) VCF-style: chrX-113965751-C-T.
Other names: c.84C>T, p.Ser28= (NM_001256760.3, NM_001256761.3).
Identifiers: ClinVar variation 3054410 (VCV003054410.2), dbSNP rs1240494579, ClinGen allele CA518245077.